The following is an entry in ClinVar:

ClinVar aggregate classification (germline): Uncertain significance (1 of 4 stars; one submission).

Conditions:
Hereditary cancer-predisposing syndrome. Also called: Neoplastic Syndromes, Hereditary; Tumor predisposition; Hereditary Cancer Syndrome; Hereditary neoplastic syndrome. Identifiers: Orphanet 140162, MedGen C0027672, MeSH D009386, MONDO:0015356.

Allele frequency attached by ClinVar (database versions not stated): gnomAD exomes below 0.00001.
gnomAD v4.1: 1 of 1,612,292 alleles (0.000062%); highest among the groups gnomAD compares: Non-Finnish European, 0.000085%; no homozygotes.

Submission:

Ambry Genetics
Classification: Uncertain significance for Hereditary cancer-predisposing syndrome. Last evaluated: 2020-08-03. Review status: criteria provided, single submitter. Criteria: Ambry Variant Classification Scheme 2023. Collection method: clinical testing. Allele origin: germline.
Comment: The p.G223V variant (also known as c.668G>T) is located in coding exon 8 of the RAD51D gene. The glycine at codon 223 is replaced by valine, an amino acid with dissimilar properties. This change occurs in the first base pair of coding exon 8. This amino acid position is highly conserved in available vertebrate species. In addition, this alteration is predicted to be deleterious by in silico analysis. Since supporting evidence is limited at this time, the clinical significance of this alteration remains unclear.

NM_002878.4(RAD51D):c.668G>T (p.Gly223Val)

Genes: RAD51D (RAD51 paralog D; minus strand), RAD51L3-RFFL (RAD51L3-RFFL readthrough; minus strand). Cytogenetic location: 17q12.
Variant type: single nucleotide variant.
Coding change: c.668G>T on transcript NM_002878.4 (MANE Select); coding-DNA position 668, G replaced by T.
Protein change: p.Gly223Val; replaces glycine 223 with valine.
Molecular consequence: missense variant. On other transcripts: non-coding transcript variant (3).
Genome position (GRCh38, 1-based): chr17:35,103,324, C>A on the plus strand (G>T on the coding strand, the complement: RAD51D is on the minus strand). VCF-style: chr17-35103324-C-A. GRCh37 (hg19) VCF-style: chr17-33430343-C-A.
Other names: c.728G>T, p.Gly243Val (NM_001142571.2); c.332G>T, p.Gly111Val (NM_133629.3); short protein forms G111V, G223V, G243V.
Identifiers: ClinVar variation 1754907 (VCV001754907.2), dbSNP rs1064793588, ClinGen allele CA399087811.